The following is an entry in ClinVar:

NM_002024.6(FMR1):c.1034T>C (p.Val345Ala)

Gene: FMR1 (fragile X messenger ribonucleoprotein 1; plus strand). Cytogenetic location: Xq27.3.
Variant type: single nucleotide variant.
Coding change: c.1034T>C on transcript NM_002024.6 (MANE Select); coding-DNA position 1034, T replaced by C.
Protein change: p.Val345Ala; replaces valine 345 with alanine.
Molecular consequence: missense variant. On other transcripts: non-coding transcript variant (2).
Genome position (GRCh38, 1-based): chrX:147,937,509, T>C. VCF-style: chrX-147937509-T-C. GRCh37 (hg19) VCF-style: chrX-147019028-T-C.
Other names: c.1034T>C, p.Val345Ala (NM_001185075.2, NM_001185076.2, NM_001185081.2 and 1 more transcripts); short protein forms V345A.
Identifiers: ClinVar variation 3250814 (VCV003250814.18), dbSNP rs782185078.
Genomic context (GRCh38, chrX:147,937,509, plus strand): 5'-TTCTGTTTTTTACCAAGGAAATTATGCCACCAAATTCCCTTCCTTCCAATAATTCAAGGG[T>C]TGGACCTAATGCCCCAGAAGAAAAAAAACATTTAGATATAAAGGAAAACAGCACCCATTT-3'
Protein context (NP_002015.1, residues 335-355): PNSLPSNNSR[Val345Ala]GPNAPEEKKH

ClinVar aggregate classification (germline): Likely benign (1 of 4 stars; one submission).

Allele frequency attached by ClinVar (database versions not stated): gnomAD exomes 0.00002; TOPMed 0.00002; gnomAD 0.00003; ExAC 0.00009; 1000 Genomes Project 30x 0.00021; 1000 Genomes Project 0.00026.
gnomAD v4.1: 25 of 1,204,669 alleles (0.0021%); highest among the groups gnomAD compares: East Asian, 0.062%; no homozygotes.

Submission:

CeGaT Center for Human Genetics Tuebingen
Classification: Likely benign. Last evaluated: 2024-06-01. Review status: criteria provided, single submitter. Criteria: CeGaT Center For Human Genetics Tuebingen Variant Classification Criteria Version 2. Collection method: clinical testing. Allele origin: germline. Affected: yes. Observed: 1 variant allele.
Comment: FMR1: BP4, BS2